The following is an entry in ClinVar:

NM_001082486.2(ACD):c.583C>A (p.Leu195Met)

Gene: ACD (ACD shelterin complex subunit and telomerase recruitment factor; minus strand). Cytogenetic location: 16q22.1.
Variant type: single nucleotide variant.
Coding change: c.583C>A on transcript NM_001082486.2 (MANE Select); coding-DNA position 583, C replaced by A.
Protein change: p.Leu195Met; replaces leucine 195 with methionine.
Molecular consequence: missense variant.
Genome position (GRCh38, 1-based): chr16:67,658,990, G>T on the plus strand (C>A on the coding strand, the complement: ACD is on the minus strand). VCF-style: chr16-67658990-G-T. GRCh37 (hg19) VCF-style: chr16-67692893-G-T.
Other names: c.583C>A, p.Leu195Met (NM_001410884.1); c.574C>A, p.Leu192Met (NM_022914.3); short protein forms L192M, L195M.
Identifiers: ClinVar variation 1763308 (VCV001763308.2), dbSNP rs2142971297, ClinGen allele CA396354084.
Genomic context (GRCh38, chr16:67,658,990, plus strand): 5'-TGGCCTTGCATCGTGAGGCAGCCCAGTGGGTGACAGGGGGTGCTGTGCAAGGGCCCTCCA[G>T]TGTCAGGCAGCTTTCAGCCAGGCACACGAGTGCCCCCTGATGCTCCTGGTCCTCCCGCAT-3'
Protein context (NP_001075955.2, residues 185-205): LVCLAESCLT[Leu195Met]EGPCTAPPVT

ClinVar aggregate classification (germline): Uncertain significance (1 of 4 stars; one submission).

Conditions:
Inborn genetic diseases. Identifiers: MedGen C0950123, MeSH D030342.

Submission:

Ambry Genetics
Classification: Uncertain significance for Inborn genetic diseases. Last evaluated: 2021-06-30. Review status: criteria provided, single submitter. Criteria: Ambry Variant Classification Scheme 2023. Collection method: clinical testing. Allele origin: germline.
Comment: The p.L281M variant (also known as c.841C>A), located in coding exon 7 of the ACD gene, results from a C to A substitution at nucleotide position 841. The leucine at codon 281 is replaced by methionine, an amino acid with highly similar properties. This amino acid position is conserved. In addition, this alteration is predicted to be tolerated by in silico analysis. Since supporting evidence is limited at this time, the clinical significance of this alteration remains unclear.